The following is an entry in ClinVar:

ClinVar aggregate classification (germline): Uncertain significance (1 of 4 stars; one submission).

Submission:

GeneDx
Classification: Uncertain significance. Last evaluated: 2024-12-11. Review status: criteria provided, single submitter. Criteria: GeneDx Variant Classification Process June 2021. Collection method: clinical testing. Allele origin: germline.
Comment: Not observed at significant frequency in large population cohorts (gnomAD); In silico analysis supports that this missense variant has a deleterious effect on protein structure/function; In silico analysis is inconclusive as to whether the variant alters gene splicing. In the absence of RNA/functional studies, the actual effect of this sequence change is unknown.; Has not been previously published as pathogenic or benign to our knowledge

NM_015330.6(SPECC1L):c.3238G>A (p.Glu1080Lys)

Genes: SPECC1L (sperm antigen with calponin homology and coiled-coil domains 1 like; plus strand), SPECC1L-ADORA2A (SPECC1L-ADORA2A readthrough (NMD candidate); plus strand). Cytogenetic location: 22q11.23.
Variant type: single nucleotide variant.
Coding change: c.3238G>A on transcript NM_015330.6 (MANE Select); coding-DNA position 3238, G replaced by A.
Protein change: p.Glu1080Lys; replaces glutamic acid 1080 with lysine.
Molecular consequence: missense variant. On other transcripts: non-coding transcript variant (1).
Genome position (GRCh38, 1-based): chr22:24,412,681, G>A. VCF-style: chr22-24412681-G-A. GRCh37 (hg19) VCF-style: chr22-24808649-G-A.
Other names: c.3238G>A, p.Glu1080Lys (NM_001145468.4); c.3121G>A, p.Glu1041Lys (NM_001254732.3); c.436G>A, p.Glu146Lys (NM_001254733.2); short protein forms E1041K, E1080K, E146K.
Identifiers: ClinVar variation 3375660 (VCV003375660.2).